The following continues an entry in ClinVar:

NM_014874.4(MFN2):c.281G>A (p.Arg94Gln)

Gene: MFN2. ClinVar aggregate classification (germline): Pathogenic. Pathogenic (17).

Submissions 10 to 20 of 20:

Ambry Genetics
Classification: Pathogenic for Inborn genetic diseases. Last evaluated: 2023-08-02. Review status: criteria provided, single submitter. Criteria: Ambry Variant Classification Scheme 2023. Collection method: clinical testing. Allele origin: germline.
Comment: The c.281G>A (p.R94Q) alteration is located in exon 4 (coding exon 2) of the MFN2 gene. This alteration results from a G to A substitution at nucleotide position 281, causing the arginine (R) at amino acid position 94 to be replaced by a glutamine (Q)._x000D_ Based on the available evidence, the MFN2 c.280C>T (p.R94W) alteration is classified as pathogenic for autosomal dominant MFN2-related neuropathy; however, its clinical significance for autosomal recessive MFN2-related neuropathy is uncertain. Based on data from gnomAD, the A allele has an overall frequency of <0.001% (1/251490) total alleles studied. The highest observed frequency was 0.001% (1/113768) of European (non-Finnish) alleles. This variant has been detected in the heterozygous state in many individuals with neuropathy, including multiple de novo occurrences, and has been reported to segregate with disease in several families (Zuchner, 2004; Kijima, 2005; Verhoeven, 2006; Neusch, 2007; Banchs, 2008; Braathen, 2010; Feely, 2011; Klein, 2014; Hoebeke, 2018; McCray, 2018; Lin, 2020; Abati, 2022). Additionally, other missense variants at the same codon, c.280C>T (p.R94W) and c.280C>G (p.R94G), have been described in individuals with neuropathy (Zuchner, 2004; Feely, 2011). This amino acid position is highly conserved in available vertebrate species. In vivo and in vitro functional studies indicate this alteration impairs mitochondrial fusion, mobility and dynamics, and leads to axonal degeneration (Baloh, 2007; Detmer, 2007; Cartoni, 2010; Guillet, 2011; Misko, 2012; El Fissi, 2018; Bernard-Marissal, 2019; van Hameren, 2019; Wolf, 2019). This alteration is predicted to be deleterious by in silico analysis. Based on the available evidence, this alteration is classified as pathogenic.

Kariminejad - Najmabadi Pathology & Genetics Center
Classification: Pathogenic for Charcot-Marie-Tooth disease type 2A2. Last evaluated: 2023-01-05. Review status: criteria provided, single submitter. Criteria: ACMG Guidelines, 2015. Collection method: clinical testing. Allele origin: germline. Inheritance: Autosomal dominant inheritance. Affected: yes.
Comment: PM2 PP3 PP5 PM5

CeGaT Center for Human Genetics Tuebingen
Classification: Pathogenic. Last evaluated: 2023-01-01. Review status: criteria provided, single submitter. Criteria: CeGaT Center For Human Genetics Tuebingen Variant Classification Criteria Version 2. Collection method: clinical testing. Allele origin: germline. Affected: yes. Observed: 1 variant allele.

GeneDx
Classification: Pathogenic. Last evaluated: 2022-03-24. Review status: criteria provided, single submitter. Criteria: GeneDx Variant Classification Process June 2021. Collection method: clinical testing. Allele origin: germline. Affected: yes.
Comment: In silico analysis supports that this missense variant has a deleterious effect on protein structure/function; Published functional studies demonstrate that this variant induces a drastic decrease in ATP synthesis, suppresses mitochondrial fusion and transport, and results in axonal degeneration (Guillet et al., 2011; Misko et al., 2012); Not observed at significant frequency in large population cohorts (gnomAD); This variant is associated with the following publications: (PMID: 20418531, 30340945, 18996695, 17437620, 31211173, 24957169, 25025039, 21285398, 22442078, 24604904, 15064763, 29266326, 31640251, 30882369, 30882371, 34103343, 24863639, 20350294, 19889647, 19812251, 17296794, 16714318, 15549395, 29898954, 31832804, 22492563, 21508331, 17215403, 34698563, 32147437, 34128983)

Athena Diagnostics
Classification: Pathogenic. Last evaluated: 2021-10-06. Review status: criteria provided, single submitter. Criteria: Athena Diagnostics Criteria. Collection method: clinical testing. Allele origin: unknown.
Comment: The frequency of this variant in the general population is consistent with pathogenicity. This variant has been confirmed to occur de novo in multiple individuals with clinical features associated with this gene (PMID: 20350294, 17437620). At least one other missense variant at this codon is considered to be pathogenic or likely pathogenic, suggesting this variant may also cause disease. Assessment of experimental evidence suggests this variant results in abnormal protein function. Mouse models expressing this variant induced a CMT2A phenotype and impaired ATP synthesis (PMID 21285398). Based on internal data, this variant occurs with an alternate explanation for disease significantly less often than expected, suggesting this variant may be associated with disease.

Laboratório de Neurologia Aplicada e Experimental, Faculdade de Medicina de Ribeirao Preto – Universidade de Sao Paulo
Classification: Pathogenic for Charcot-Marie-Tooth disease type 2A2. Last evaluated: 2021-07-20. Review status: criteria provided, single submitter. Criteria: ACMG Guidelines, 2015. Collection method: research. Allele origin: germline. Inheritance: Autosomal dominant inheritance. Affected: yes. Observed: 7 variant alleles, 7 heterozygotes.

Blueprint Genetics
Classification: Pathogenic for MFN2-related disorders. Last evaluated: 2019-02-26. Review status: criteria provided, single submitter. Criteria: ACMG Guidelines, 2015. Collection method: clinical testing. Allele origin: germline. Affected: yes. Observed: 1 variant allele.

Neuberg Centre For Genomic Medicine, NCGM
Classification: Pathogenic for Charcot-Marie-Tooth disease type 2A2. Review status: criteria provided, single submitter. Criteria: ACMG Guidelines, 2015. Collection method: clinical testing. Allele origin: germline. Inheritance: Autosomal dominant inheritance. Affected: yes.
Comment: The amino acid Arg at position 94 is changed to a Gln changing protein sequence and it might alter its composition and physico-chemical properties. This sequence change replaces arginine with glutamine at codon 94 of the mitofusin 2 protein (p.Arg94Gln). This variant has been reported in multiple unrelated individuals affected with autosomal dominant Charcot-Marie-Tooth disease type 2 (CMT2) (Casasnovas C et al, Neusch C et al) and in several families where it was observed to co-segregate with disease (Klein CJ et al). This variant has also been shown to arise de novo in an individual affected with CMT2 (Braathen GJ et al). The p.Arg94Gln variant is reported with the allele frequency of 0.0003976% and is novel (not in any individuals) in 1000 Genomes. This variant has been reported to the ClinVar database as Pathogenic. The variant is predicted to be damaging by both SIFT and PolyPhen2. The residue is conserved across species. The amino acid change p.Arg94Gln in MFN2 is predicted as conserved by GERP++ and PhyloP across 100 vertebrates. For these reasons, this variant has been classified as Pathogenic.

Clinical Laboratory Sciences Program (CLSP), King Saud bin Abdulaziz University for Health Sciences (KSAU-HS)
Classification: Pathogenic for Charcot-Marie-Tooth disease type 2A2. Last evaluated: 2023-04-01. Review status: no assertion criteria provided. Collection method: clinical testing. Allele origin: germline. Affected: yes. Not counted in ClinVar's aggregate classification.

Genesis Genome Database
Classification: Uncertain significance for Charcot-Marie-Tooth disease. Last evaluated: 2019-08-14. Review status: no assertion criteria provided. Collection method: research. Allele origin: germline. Affected: yes. Not counted in ClinVar's aggregate classification.

OMIM
Classification: Pathogenic for CHARCOT-MARIE-TOOTH DISEASE, AXONAL, TYPE 2A2A. Last evaluated: 2010-04-01. Review status: no assertion criteria provided. Collection method: literature only. Allele origin: germline. Not counted in ClinVar's aggregate classification.

Literature cited by the submitters: PubMed 15064763 (cited by 7 submitters); PubMed 16714318 (cited by 5 submitters); PubMed 17437620 (cited by 6 submitters); PubMed 18996695 (cited by 3 submitters); PubMed 19889647 (cited by 5 submitters); PubMed 24604904 (cited by 4 submitters); PubMed 25025039 (cited by 3 submitters); PubMed 17215403 (cited by 5 submitters); PubMed 17296794 (cited by 6 submitters); PubMed 20335458 (cited by 3 submitters); PubMed 20418531 (cited by 5 submitters); PubMed 21285398 (cited by 4 submitters); PubMed 22442078 (cited by 3 submitters); PubMed 16437557 (cited by 3billion); PubMed 31640251 (cited by 3billion and Ambry Genetics); PubMed 30659145 (cited by 3billion and Ambry Genetics); PubMed 20350294 (cited by 4 submitters); PubMed 15549395 (cited by 3 submitters); PubMed 21508331 (cited by Ambry Genetics); PubMed 22492563 (cited by Ambry Genetics and Athena Diagnostics); PubMed 29266326 (cited by Ambry Genetics); PubMed 29898954 (cited by 3 submitters); PubMed 30340945 (cited by Ambry Genetics); PubMed 31186069 (cited by Ambry Genetics); PubMed 31832804 (cited by Ambry Genetics); PubMed 34103343 (cited by Ambry Genetics); PubMed 35418194 (cited by Ambry Genetics); PubMed 26230519 (cited by Athena Diagnostics and Laboratório de Neurologia Aplicada e Experimental, Faculdade de Medicina de Ribeirao Preto – Universidade de Sao Paulo); PubMed 30882371 (cited by Athena Diagnostics and Laboratório de Neurologia Aplicada e Experimental, Faculdade de Medicina de Ribeirao Preto – Universidade de Sao Paulo); PubMed 19812251 (cited by Athena Diagnostics and Laboratório de Neurologia Aplicada e Experimental, Faculdade de Medicina de Ribeirao Preto – Universidade de Sao Paulo); PubMed 9409358 (cited by Laboratório de Neurologia Aplicada e Experimental, Faculdade de Medicina de Ribeirao Preto – Universidade de Sao Paulo and OMIM).